The following is an entry in ClinVar:

NM_000179.3(MSH6):c.1344del (p.Leu449fs)

Gene: MSH6 (mutS homolog 6; plus strand). Cytogenetic location: 2p16.3.
Variant type: Deletion.
Coding change: c.1344del on transcript NM_000179.3 (MANE Select); coding-DNA position 1344, one base deleted (G; older notation c.1344delG).
Protein change: p.Leu449fs; shifts the reading frame from leucine 449.
Molecular consequence: frameshift variant. On other transcripts: non-coding transcript variant (4), intron variant (1).
Genome position (GRCh38, 1-based): chr2:47,799,327, G deleted; the last of 4 consecutive G bases (chr2:47,799,324-47,799,327); deleting any one gives the same sequence. VCF-style (leftmost placement, unchanged base first): chr2-47799323-TG-T. GRCh37 (hg19) VCF-style: chr2-48026462-TG-T.
Other names: c.954del, p.Leu319fs (NM_001281492.2); c.438del, p.Leu147fs (NM_001281493.2, NM_001281494.2, NM_001406811.1 and 6 more transcripts); c.1440del, p.Leu481fs (NM_001406795.1, NM_001406802.1); c.1344del, p.Leu449fs (NM_001406796.1, NM_001406798.1, NM_001406800.1 and 4 more transcripts); c.1047del, p.Leu350fs (NM_001406797.1, NM_001406801.1, NM_001406805.1 and 10 more transcripts); c.819del, p.Leu274fs (NM_001406799.1, NM_001406806.1, NM_001406807.1); c.1266del, p.Leu423fs (NM_001406804.1); c.1350del, p.Leu451fs (NM_001406813.1); and 2 more; short protein forms L147fs, L393fs, L451fs, L319fs, L423fs, L274fs, L481fs, L350fs.
Identifiers: ClinVar variation 3398959 (VCV003398959.1).

ClinVar aggregate classification (germline): Pathogenic (1 of 4 stars; one submission).

Conditions:
Hereditary cancer-predisposing syndrome. Also called: Hereditary Cancer Syndrome; Tumor predisposition; Hereditary neoplastic syndrome; Neoplastic Syndromes, Hereditary. Identifiers: Orphanet 140162, MedGen C0027672, MeSH D009386, MONDO:0015356.

Submission:

Ambry Genetics
Classification: Pathogenic for Hereditary cancer-predisposing syndrome. Last evaluated: 2024-11-26. Review status: criteria provided, single submitter. Criteria: Ambry Variant Classification Scheme 2023. Collection method: clinical testing. Allele origin: germline.
Comment: The c.1344delG pathogenic mutation, located in coding exon 4 of the MSH6 gene, results from a deletion of one nucleotide at nucleotide position 1344, causing a translational frameshift with a predicted alternate stop codon (p.L449Wfs*4). This variant is considered to be rare based on population cohorts in the Genome Aggregation Database (gnomAD). This alteration is expected to result in loss of function by premature protein truncation or nonsense-mediated mRNA decay. As such, this alteration is interpreted as a disease-causing mutation.